The following is an entry in ClinVar:

NM_001003800.2(BICD2):c.1259A>C (p.Glu420Ala)

Gene: BICD2 (BICD cargo adaptor 2; minus strand). Cytogenetic location: 9q22.31.
Variant type: single nucleotide variant.
Coding change: c.1259A>C on transcript NM_001003800.2 (MANE Select); coding-DNA position 1259, A replaced by C.
Protein change: p.Glu420Ala; replaces glutamic acid 420 with alanine.
Molecular consequence: missense variant.
Genome position (GRCh38, 1-based): chr9:92,719,386, T>G on the plus strand (A>C on the coding strand, the complement: BICD2 is on the minus strand). VCF-style: chr9-92719386-T-G. GRCh37 (hg19) VCF-style: chr9-95481668-T-G.
Other names: c.1259A>C, p.Glu420Ala (NM_015250.4); short protein forms E420A.
Identifiers: ClinVar variation 513883 (VCV000513883.7), dbSNP rs771432118, ClinGen allele CA5126595.

ClinVar aggregate classification (germline): Likely benign. Review status: criteria provided, multiple submitters, no conflicts (2 of 4 stars). 3 submissions from 3 submitters: Likely benign (3). Last evaluated 2024-03-14.

Conditions:
Autosomal dominant childhood-onset proximal spinal muscular atrophy with contractures (SMALED2A). Also called: Spinal muscular atrophy, lower extremity-predominant, 2A, autosomal dominant; SPINAL MUSCULAR ATROPHY, LOWER EXTREMITY-PREDOMINANT, 2A, CHILDHOOD ONSET, AUTOSOMAL DOMINANT. Identifiers: Orphanet 363447, Orphanet 363454, MedGen C4747715, MONDO:0014121, OMIM 615290.
Inborn genetic diseases. Identifiers: MedGen C0950123, MeSH D030342.

Allele frequency attached by ClinVar (database versions not stated): gnomAD exomes 0.00001 and 0.00002; ExAC 0.00002; gnomAD 0.00004; TOPMed 0.00005.
gnomAD v4.1: 23 of 1,614,066 alleles (0.0014%); highest among the groups gnomAD compares: African/African-American, 0.012%; no homozygotes.

Submissions (3):

Labcorp Genetics (formerly Invitae), Labcorp
Classification: Likely benign for Autosomal dominant childhood-onset proximal spinal muscular atrophy with contractures. Last evaluated: 2024-03-14. Review status: criteria provided, single submitter. Criteria: Invitae Variant Classification Sherloc (09022015). Collection method: clinical testing. Allele origin: germline.

Ambry Genetics
Classification: Likely benign for Inborn genetic diseases. Last evaluated: 2023-03-22. Review status: criteria provided, single submitter. Criteria: Ambry Variant Classification Scheme 2023. Collection method: clinical testing. Allele origin: germline.

GeneDx
Classification: Likely benign. Last evaluated: 2017-12-07. Review status: criteria provided, single submitter. Criteria: GeneDx Variant Classification (06012015). Collection method: clinical testing. Allele origin: germline. Affected: yes.
Comment: This variant is considered likely benign or benign based on one or more of the following criteria: it is a conservative change, it occurs at a poorly conserved position in the protein, it is predicted to be benign by multiple in silico algorithms, and/or has population frequency not consistent with disease.